The following is an entry in ClinVar:

ClinVar aggregate classification (germline): Pathogenic (1 of 4 stars; one submission).

Conditions:
Familial cancer of breast. Also called: BREAST CANCER, FAMILIAL; Hereditary breast cancer; hereditary breast carcinoma. Identifiers: Orphanet 227535, MedGen C0346153, MONDO:0016419, OMIM 114480. Disease mechanism: loss of function.

Submission:

Labcorp Genetics (formerly Invitae), Labcorp
Classification: Pathogenic for Familial cancer of breast. Last evaluated: 2023-09-05. Review status: criteria provided, single submitter. Criteria: Invitae Variant Classification Sherloc (09022015). Collection method: clinical testing. Allele origin: unknown.
Comment: This variant is a gross deletion of the genomic region encompassing exon(s) 5-15 of the CHEK2 gene, which includes the termination codon. This deletion extends beyond the assayed region for this gene and therefore may encompass additional genes. While this deletion is not anticipated to lead to nonsense mediated decay, it is expected to alter mRNA translation or result in a truncated protein product. A similar copy number variant has been observed in individual(s) with CHECK2-related conditions (PMID: 32068069). This variant disrupts a region of the CHEK2 protein in which other variant(s) (Exons 8-15) have been determined to be pathogenic (Invitae). This suggests that this is a clinically significant region of the protein, and that variants that disrupt it are likely to be disease-causing. For these reasons, this variant has been classified as Pathogenic.

Literature cited by the submitters: PubMed 32068069.

NC_000022.10:g.(?_29083885)_(29115493_?)del

Gene: CHEK2 (checkpoint kinase 2; minus strand). Cytogenetic location: 22q12.1.
Variant type: Deletion.
Identifiers: ClinVar variation 3247469 (VCV003247469.1).